The following is an entry in ClinVar:

NM_000051.4(ATM):c.2573T>G (p.Phe858Cys)

Gene: ATM (ATM serine/threonine kinase; plus strand). Cytogenetic location: 11q22.3.
Variant type: single nucleotide variant.
Coding change: c.2573T>G on transcript NM_000051.4 (MANE Select); coding-DNA position 2573, T replaced by G.
Protein change: p.Phe858Cys; replaces phenylalanine 858 with cysteine.
Molecular consequence: missense variant.
Genome position (GRCh38, 1-based): chr11:108,267,277, T>G. VCF-style: chr11-108267277-T-G. GRCh37 (hg19) VCF-style: chr11-108138004-T-G.
Other names: c.2573T>G, p.Phe858Cys (NM_001351834.2); short protein forms F858C.
Identifiers: ClinVar variation 3232544 (VCV003232544.1), dbSNP rs2135508093, ClinGen allele CA382543873.
Genomic context (GRCh38, chr11:108,267,277, plus strand): 5'-TGGAAGATGATACTAATGGAAATCTAATGGAGGTGGAGGATCAGTCATCCATGAATCTAT[T>G]TAACGATTACCCTGATAGTAGTGTTAGTGATGCAAACGAACCTGGAGAGAGCCAAAGTAC-3'
Protein context (NP_000042.3, residues 848-868): EVEDQSSMNL[Phe858Cys]NDYPDSSVSD

ClinVar aggregate classification (germline): Uncertain significance (1 of 4 stars; one submission).

Conditions:
Hereditary cancer-predisposing syndrome. Also called: Neoplastic Syndromes, Hereditary; Tumor predisposition; Hereditary neoplastic syndrome; Hereditary Cancer Syndrome. Identifiers: Orphanet 140162, MedGen C0027672, MeSH D009386, MONDO:0015356.

Submission:

Ambry Genetics
Classification: Uncertain significance for Hereditary cancer-predisposing syndrome. Last evaluated: 2023-10-17. Review status: criteria provided, single submitter. Criteria: Ambry Variant Classification Scheme 2023. Collection method: clinical testing. Allele origin: germline.
Comment: The p.F858C variant (also known as c.2573T>G), located in coding exon 16 of the ATM gene, results from a T to G substitution at nucleotide position 2573. The phenylalanine at codon 858 is replaced by cysteine, an amino acid with highly dissimilar properties. This amino acid position is not well conserved in available vertebrate species. In addition, this alteration is predicted to be tolerated by in silico analysis. Since supporting evidence is limited at this time, the clinical significance of this alteration remains unclear.